The following is an entry in ClinVar:

NM_001101426.4(CRPPA):c.1301C>T (p.Ala434Val)

Gene: CRPPA (CDP-L-ribitol pyrophosphorylase A; minus strand). Cytogenetic location: 7p21.2.
Variant type: single nucleotide variant.
Coding change: c.1301C>T on transcript NM_001101426.4 (MANE Select); coding-DNA position 1301, C replaced by T.
Protein change: p.Ala434Val; replaces alanine 434 with valine.
Molecular consequence: missense variant. On other transcripts: non-coding transcript variant (1).
Genome position (GRCh38, 1-based): chr7:16,091,750, G>A on the plus strand (C>T on the coding strand, the complement: CRPPA is on the minus strand). VCF-style: chr7-16091750-G-A. GRCh37 (hg19) VCF-style: chr7-16131375-G-A.
Other names: c.1151C>T, p.Ala384Val (NM_001101417.4); c.1196C>T, p.Ala399Val (NM_001368197.1); short protein forms A434V, A399V, A384V.
Identifiers: ClinVar variation 290174 (VCV000290174.6), dbSNP rs886044370, ClinGen allele CA10606676.

ClinVar aggregate classification (germline): Uncertain significance. Review status: criteria provided, multiple submitters, no conflicts (2 of 4 stars). 2 submissions from 2 submitters: Uncertain significance (2). Last evaluated 2022-08-22.

Conditions:
Autosomal recessive limb-girdle muscular dystrophy type 2U. Also called: MUSCULAR DYSTROPHY, LIMB-GIRDLE, TYPE 2U; Muscular dystrophy-dystroglycanopathy (limb-girdle), type c, 7. Identifiers: Orphanet 352479, MedGen C5190987, MONDO:0014474, OMIM 616052.
Muscular dystrophy-dystroglycanopathy (congenital with brain and eye anomalies), type A, 7. Also called: WALKER-WARBURG SYNDROME OR MUSCLE-EYE-BRAIN DISEASE, ISPD-RELATED; Congenital muscular dystrophy-dystroglycanopathy with brain and eye anomalies, type A7. Identifiers: Orphanet 899, MedGen C3553330, MONDO:0013835, OMIM 614643.

Allele frequency attached by ClinVar (database versions not stated): gnomAD exomes below 0.00001 and 0.00001; TOPMed 0.00002.
gnomAD v4.1: 1 of 1,565,066 alleles (0.000064%); highest among the groups gnomAD compares: Admixed American, 0.0019%; no homozygotes.

Submissions (2):

Labcorp Genetics (formerly Invitae), Labcorp
Classification: Uncertain significance for Muscular dystrophy-dystroglycanopathy (congenital with brain and eye anomalies), type A, 7; Autosomal recessive limb-girdle muscular dystrophy type 2U. Last evaluated: 2022-08-22. Review status: criteria provided, single submitter. Criteria: Invitae Variant Classification Sherloc (09022015). Collection method: clinical testing. Allele origin: germline.
Comment: This sequence change replaces alanine, which is neutral and non-polar, with valine, which is neutral and non-polar, at codon 434 of the ISPD protein (p.Ala434Val). The frequency data for this variant in the population databases is considered unreliable, as metrics indicate poor data quality at this position in the gnomAD database. This variant has not been reported in the literature in individuals affected with ISPD-related conditions. ClinVar contains an entry for this variant (Variation ID: 290174). Algorithms developed to predict the effect of missense changes on protein structure and function are either unavailable or do not agree on the potential impact of this missense change (SIFT: "Deleterious"; PolyPhen-2: "Benign"; Align-GVGD: "Class C0"). In summary, the available evidence is currently insufficient to determine the role of this variant in disease. Therefore, it has been classified as a Variant of Uncertain Significance.

Eurofins Ntd Llc (ga)
Classification: Uncertain significance. Last evaluated: 2016-08-10. Review status: criteria provided, single submitter. Criteria: EGL Classification Definitions 2015. Collection method: clinical testing. Allele origin: germline. Observed: 1 variant allele, 1 heterozygote.